The following is an entry in ClinVar:

ClinVar aggregate classification (germline): Uncertain significance. Review status: criteria provided, multiple submitters, no conflicts (2 of 4 stars). 3 submissions from 3 submitters: Uncertain significance (3). Last evaluated 2025-07-30.

Conditions:
Autosomal recessive limb-girdle muscular dystrophy type 2W (MDRCMTT). Also called: Muscular dystrophy, limb-girdle, type 2W; Muscular dystrophy, autosomal recessive, with cardiomyopathy and triangular tongue. Identifiers: MedGen C4225192, MONDO:0014788, OMIM 616827.

Submissions (3):

Labcorp Genetics (formerly Invitae), Labcorp
Classification: Uncertain significance for Autosomal recessive limb-girdle muscular dystrophy type 2W. Last evaluated: 2025-07-30. Review status: criteria provided, single submitter. Criteria: Invitae Variant Classification Sherloc (09022015). Collection method: clinical testing. Allele origin: germline.
Comment: This sequence change creates a premature translational stop signal (p.Trp25Cysfs*90) in the LIMS2 gene. It is expected to result in an absent or disrupted protein product. However, the current clinical and genetic evidence is not sufficient to establish whether loss-of-function variants in LIMS2 cause disease. This variant is present in population databases (rs140836565, gnomAD 0.03%). This variant has not been reported in the literature in individuals affected with LIMS2-related conditions. ClinVar contains an entry for this variant (Variation ID: 835345). In summary, the available evidence is currently insufficient to determine the role of this variant in disease. Therefore, it has been classified as a Variant of Uncertain Significance.

Blueprint Genetics
Classification: Uncertain significance. Last evaluated: 2023-11-22. Review status: criteria provided, single submitter. Criteria: ACMG Guidelines, 2015. Collection method: clinical testing. Allele origin: germline.

Revvity Omics, Revvity
Classification: Uncertain significance for Autosomal recessive limb-girdle muscular dystrophy type 2W. Last evaluated: 2021-07-06. Review status: criteria provided, single submitter. Criteria: ACMG Guidelines, 2015. Collection method: clinical testing. Allele origin: germline.

NM_001161403.3(LIMS2):c.11+1332_11+1333dup

Gene: LIMS2 (LIM zinc finger domain containing 2; minus strand). Cytogenetic location: 2q14.3.
Variant type: Duplication.
Coding change: c.11+1332_11+1333dup on transcript NM_001161403.3 (MANE Select); bases 1332 to 1333 of the intron after coding-DNA position 11, 2 bases duplicated (TG; older notation c.11+1332_11+1333dupTG).
Molecular consequence: intron variant. On other transcripts: frameshift variant (1).
Genome position (GRCh38, 1-based): chr2:127,673,681-127,673,682, CA duplicated on the plus strand (TG on the coding strand, the reverse complement: LIMS2 is on the minus strand); duplicating any 2 consecutive bases within chr2:127,673,681-127,673,683 gives the same sequence; the c. name uses the placement nearest the transcript's 3' end. VCF-style (leftmost placement, unchanged base first): chr2-127673680-C-CCA. GRCh37 (hg19) VCF-style: chr2-128431254-C-CCA.
Other names: c.73_74dup, p.Trp25fs (NM_001136037.4); c.-5+7638_-5+7639dup (NM_001161404.2); c.73_74dup (NM_001136037.3); short protein forms W25fs.
Identifiers: ClinVar variation 835345 (VCV000835345.11), dbSNP rs140836565, ClinGen allele CA1863621.